The following is an entry in ClinVar:

NM_001365999.1(SZT2):c.9954C>T (p.Asp3318=)

Genes: SZT2 (SZT2 subunit of KICSTOR complex; plus strand), SZT2-AS1 (SZT2 antisense RNA 1; minus strand). Cytogenetic location: 1p34.2.
Variant type: single nucleotide variant.
Coding change: c.9954C>T on transcript NM_001365999.1 (MANE Select); coding-DNA position 9954, C replaced by T.
Protein change: p.Asp3318=; no amino-acid change (aspartic acid 3318 retained).
Molecular consequence: synonymous variant. On other transcripts: non-coding transcript variant (1).
Genome position (GRCh38, 1-based): chr1:43,448,469, C>T. VCF-style: chr1-43448469-C-T. GRCh37 (hg19) VCF-style: chr1-43914140-C-T.
Other names: c.9783C>T, p.Asp3261= (NM_015284.4).
Identifiers: ClinVar variation 4992592 (VCV004992592.1).

ClinVar aggregate classification (germline): Likely benign (1 of 4 stars; one submission).

Conditions:
SZT2-related disorder. Also called: SZT2-related condition.

Submission:

PreventionGenetics, part of Exact Sciences
Classification: Likely benign for SZT2-related condition. Last evaluated: 2026-08-03. Review status: criteria provided, single submitter. Criteria: ACMG Guidelines, 2015. Collection method: clinical testing. Allele origin: germline.
Comment: This variant is classified as likely benign based on ACMG/AMP sequence variant interpretation guidelines (Richards et al. 2015 PMID: 25741868, with internal and published modifications).